The following is an entry in ClinVar:

ClinVar aggregate classification (germline): Likely benign. Review status: criteria provided, multiple submitters, no conflicts (2 of 4 stars). 2 submissions from 2 submitters: Likely benign (2). Last evaluated 2024-07-20.

Conditions:
RYR1-related disorder. Also called: RYR1-related condition; RYR1-related disorders. Identifiers: MedGen CN239331.
Malignant hyperthermia, susceptibility to, 1 (MHS1). Also called: Malignant hyperthermia suceptibility 1; RYR1-Related Malignant Hyperthermia Susceptibility; Anesthesia related hyperthermia; Malignant hyperpyrexia; Fulminating hyperpyrexia; Pharmacogenic myopathy. Identifiers: Orphanet 423, MedGen C2930980, MONDO:0007783, OMIM 145600.

Allele frequency attached by ClinVar (database versions not stated): gnomAD exomes below 0.00001; gnomAD 0.00001; TOPMed 0.00001.
gnomAD v4.1: 3 of 1,614,106 alleles (0.00019%); highest among the groups gnomAD compares: Non-Finnish European, 0.00025%; no homozygotes.

Submissions (2):

All of Us Research Program, National Institutes of Health
Classification: Likely benign for Malignant hyperthermia, susceptibility to, 1. Last evaluated: 2024-07-20. Review status: criteria provided, single submitter. Criteria: ACMG Guidelines, 2015. Collection method: clinical testing. Allele origin: germline. Inheritance: Autosomal dominant inheritance. Observed: 1 variant allele, 1 heterozygote.
Comment: This study involves interpretation of variants in research participants for the purpose of population health screening. Participant phenotype was not available at the time of variant classification. Additional details can be found in publication PMID: 35346344, PMCID: PMC8962531

Labcorp Genetics (formerly Invitae), Labcorp
Classification: Likely benign for RYR1-related disorder. Last evaluated: 2023-09-21. Review status: criteria provided, single submitter. Criteria: Invitae Variant Classification Sherloc (09022015). Collection method: clinical testing. Allele origin: germline.

NM_000540.3(RYR1):c.2409C>T (p.Pro803=)

Gene: RYR1 (ryanodine receptor 1; plus strand). Cytogenetic location: 19q13.2.
Variant type: single nucleotide variant.
Coding change: c.2409C>T on transcript NM_000540.3 (MANE Select); coding-DNA position 2409, C replaced by T.
Protein change: p.Pro803=; no amino-acid change (proline 803 retained).
Molecular consequence: synonymous variant.
Genome position (GRCh38, 1-based): chr19:38,460,423, C>T. VCF-style: chr19-38460423-C-T. GRCh37 (hg19) VCF-style: chr19-38951063-C-T.
Other names: c.2409C>T, p.Pro803= (NM_001042723.2).
Identifiers: ClinVar variation 762907 (VCV000762907.9), dbSNP rs1020894686, ClinGen allele CA308071243.